The following is an entry in ClinVar:

NM_001388492.1(HTT):c.6279G>A (p.Val2093=)

Gene: HTT (huntingtin; plus strand). Cytogenetic location: 4p16.3.
Variant type: single nucleotide variant.
Coding change: c.6279G>A on transcript NM_001388492.1 (MANE Select); coding-DNA position 6279, G replaced by A.
Protein change: p.Val2093=; no amino-acid change (valine 2093 retained).
Molecular consequence: synonymous variant.
Genome position (GRCh38, 1-based): chr4:3,208,899, G>A. VCF-style: chr4-3208899-G-A. GRCh37 (hg19) VCF-style: chr4-3210626-G-A.
Other names: c.6285G>A, p.Val2095= (NM_002111.8).
Identifiers: ClinVar variation 3036836 (VCV003036836.1), dbSNP rs2476256283, ClinGen allele CA438131486.

ClinVar aggregate classification (germline): Likely benign (1 of 4 stars; one submission).

Conditions:
HTT-related disorder. Also called: HTT-related condition.

Submission:

PreventionGenetics, part of Exact Sciences
Classification: Likely benign for HTT-related condition. Last evaluated: 2023-05-03. Review status: criteria provided, single submitter. Criteria: ACMG Guidelines, 2015. Collection method: clinical testing. Allele origin: germline.
Comment: This variant is classified as likely benign based on ACMG/AMP sequence variant interpretation guidelines (Richards et al. 2015 PMID: 25741868, with internal and published modifications).